The following is an entry in ClinVar:

NM_182643.3(DLC1):c.112G>A (p.Asp38Asn)

Gene: DLC1 (DLC1 Rho GTPase activating protein; minus strand). Cytogenetic location: 8p22.
Variant type: single nucleotide variant.
Coding change: c.112G>A on transcript NM_182643.3 (MANE Select); coding-DNA position 112, G replaced by A.
Protein change: p.Asp38Asn; replaces aspartic acid 38 with asparagine.
Molecular consequence: missense variant. On other transcripts: 5 prime UTR variant (1).
Genome position (GRCh38, 1-based): chr8:13,499,960, C>T on the plus strand (G>A on the coding strand, the complement: DLC1 is on the minus strand). VCF-style: chr8-13499960-C-T. GRCh37 (hg19) VCF-style: chr8-13357469-C-T.
Other names: c.112G>A, p.Asp38Asn (NM_001348081.2, NM_001413124.1, NM_001413125.1 and 1 more transcripts); c.-1340G>A (NM_001348082.2); short protein forms D38N.
Identifiers: ClinVar variation 3347129 (VCV003347129.2).
Genomic context (GRCh38, chr8:13,499,960, plus strand): 5'-ACTTCTCTTTGCGGTCCACATTTAGAGTTGCATCTTTTTCCATACTTGCCTGCAAGCTGT[C>T]AGCTACTAGTCCATGATGACATGCTGTGTTACGATCATCAGAATTAAAAGGCTGTCCCAT-3'
Protein context (NP_872584.2, residues 28-48): NTACHHGLVA[Asp38Asn]SLQASMEKDA

ClinVar aggregate classification (germline): Uncertain significance. Review status: criteria provided, single submitter (1 of 4 stars). 2 submissions from 2 submitters: Uncertain significance (1). 1 of the submissions does not count toward it. Last evaluated 2024-01-02.

Conditions:
Colorectal cancer. Also called: Malignant Colorectal Neoplasm; Colorectal cancer, somatic. Identifiers: MedGen C0346629, MONDO:0005575, OMIM 114500.
DLC1-related disorder. Also called: DLC1-related condition.

Submissions (2):

Fulgent Genetics
Classification: Uncertain significance for Colorectal cancer. Last evaluated: 2024-01-02. Review status: criteria provided, single submitter. Criteria: ACMG Guidelines, 2015. Collection method: clinical testing. Allele origin: germline.

PreventionGenetics, part of Exact Sciences
Classification: Uncertain significance for DLC1-related condition. Last evaluated: 2024-06-03. Review status: no assertion criteria provided. Collection method: clinical testing. Allele origin: germline. Not counted in ClinVar's aggregate classification.
Comment: The DLC1 c.112G>A variant is predicted to result in the amino acid substitution p.Asp38Asn. To our knowledge, this variant has not been reported in the literature. This variant is reported in 0.0029% of alleles in individuals of Latino descent in gnomAD. At this time, the clinical significance of this variant is uncertain due to the absence of conclusive functional and genetic evidence.